The following is an entry in ClinVar:

ClinVar aggregate classification (germline): Likely pathogenic (1 of 4 stars; one submission).

Conditions:
Retinitis pigmentosa 26 (RP26). Identifiers: Orphanet 791, MedGen C1842127, MONDO:0012024, OMIM 608380.

Submission:

Natera, Inc.
Classification: Likely pathogenic for Retinitis Pigmentosa 26. Last evaluated: 2025-01-06. Review status: criteria provided, single submitter. Criteria: Natera Variant Classification Schema (03/2026). Collection method: clinical testing. Allele origin: germline.
Comment: The c.388C>T variant in CERKL is a nonsense variant predicted to introduce a stop codon at amino acid 130. This variant is expected to result in nonsense mediated decay, truncation, or a dysfunctional protein product. This variant is rare in the general population with a frequency below the threshold expected for the associated phenotype(s). Given the available evidence, this variant is classified as Likely Pathogenic.

NM_201548.5(CERKL):c.388C>T (p.Gln130Ter)

Gene: CERKL (CERK like autophagy regulator; minus strand). Cytogenetic location: 2q31.3.
Variant type: single nucleotide variant.
Coding change: c.388C>T on transcript NM_201548.5 (MANE Select); coding-DNA position 388, C replaced by T.
Protein change: p.Gln130Ter; replaces glutamine 130 with a stop codon.
Molecular consequence: nonsense. On other transcripts: non-coding transcript variant (2).
Genome position (GRCh38, 1-based): chr2:181,603,930, G>A on the plus strand (C>T on the coding strand, the complement: CERKL is on the minus strand). VCF-style: chr2-181603930-G-A. GRCh37 (hg19) VCF-style: chr2-182468657-G-A.
Other names: c.388C>T, p.Gln130Ter (NM_001030311.3, NM_001030312.3, NM_001030313.3 and 1 more transcripts); short protein forms Q130*.
Identifiers: ClinVar variation 4814539 (VCV004814539.1).